The following is an entry in ClinVar:

NM_000157.4(GBA1):c.592C>A (p.Pro198Thr)

Genes: GBA1 (glucosylceramidase beta 1; minus strand), LOC106627981 (GBA recombination region; plus strand). Cytogenetic location: 1q22.
Variant type: single nucleotide variant.
Coding change: c.592C>A on transcript NM_000157.4 (MANE Select); coding-DNA position 592, C replaced by A.
Protein change: p.Pro198Thr; replaces proline 198 with threonine.
Molecular consequence: missense variant.
Genome position (GRCh38, 1-based): chr1:155,238,303, G>T on the plus strand (C>A on the coding strand, the complement: GBA1 is on the minus strand). VCF-style: chr1-155238303-G-T. GRCh37 (hg19) VCF-style: chr1-155208094-G-T.
Other names: c.592C>A, p.Pro198Thr (NM_001005741.3, NM_001005742.3); c.331C>A, p.Pro111Thr (NM_001171811.2); c.445C>A, p.Pro149Thr (NM_001171812.2); c.592C>A (NM_000157.3); short protein forms P111T, P149T, P198T.
Identifiers: ClinVar variation 3366714 (VCV003366714.3).

ClinVar aggregate classification (germline): Conflicting classifications of pathogenicity. Review status: criteria provided, conflicting classifications (1 of 4 stars). 2 submissions from 2 submitters: Likely pathogenic (1); Uncertain significance (1). Last evaluated 2025-04-22.

Conditions:
Gaucher disease. Also called: Acute cerebral Gaucher disease; Cerebroside lipidosis syndrome; Gaucher splenomegaly; Sphingolipidosis 1; Glucocerebrosidosis; Glucosylceramidase deficiency. Identifiers: Orphanet 355, MedGen C0017205, MONDO:0018150.

Submissions (2):

Natera, Inc.
Classification: Likely pathogenic for Gaucher disease. Last evaluated: 2025-04-22. Review status: criteria provided, single submitter. Criteria: Natera Variant Classification Schema (03/2026). Collection method: clinical testing. Allele origin: germline.
Comment: The c.592C>A variant in GBA1 is a missense variant predicted to cause substitution of proline to threonine at amino acid 198. This variant is rare in the general population with a frequency below the threshold expected for the associated phenotype(s). This variant has been observed in one or more individuals affected with the associated recessive disease, as either homozygous or compound heterozygous with a second variant (PMID: 15605411). A different variant at the same position has been determined to be Pathogenic or Likely Pathogenic. Computational prediction algorithms indicate this variant is likely to affect gene or protein function. Given the available evidence, this variant is classified as Likely Pathogenic.

Women's Health and Genetics/Laboratory Corporation of America, LabCorp
Classification: Uncertain significance. Last evaluated: 2024-08-20. Review status: criteria provided, single submitter. Criteria: LabCorp Variant Classification Summary - May 2015. Collection method: clinical testing. Allele origin: germline.
Comment: Variant summary: GBA1 c.592C>A (p.Pro198Thr) results in a non-conservative amino acid change located in the Glycosyl hydrolase family 30, TIM-barrel domain (IPR033453) of the encoded protein sequence. Five of five in-silico tools predict a damaging effect of the variant on protein function. The variant was absent in 234480 control chromosomes. c.592C>A has been reported in the literature in at-least one individual affected with Gaucher Disease (examples: Miocic_2005,Filocamo_2002 ). These data do not allow any conclusion about variant significance. The following publications have been ascertained in the context of this evaluation (PMID: 15605411, 12204005). No submitters have cited clinical-significance assessments for this variant to ClinVar. Based on the evidence outlined above, the variant was classified as uncertain significance.

Literature cited by the submitters: PubMed 15605411 (cited by Natera, Inc. and Women's Health and Genetics/Laboratory Corporation of America, LabCorp); PubMed 12204005 (cited by Women's Health and Genetics/Laboratory Corporation of America, LabCorp).